The following is an entry in ClinVar:

ClinVar aggregate classification (germline): Conflicting classifications of pathogenicity. Review status: criteria provided, conflicting classifications (1 of 4 stars). 6 submissions from 6 submitters: Uncertain significance (1); Benign (1); Likely benign (3). 1 of the submissions does not count toward it. Last evaluated 2026-04-17.

Conditions:
DICER1-related tumor predisposition. Also called: DICER1 syndrome; DICER1-related pleuropulmonary blastoma cancer predisposition syndrome. Identifiers: Orphanet 284343, MedGen C3839822, MONDO:0100216.
DICER1-related disorder. Also called: DICER1-related condition.
Hereditary cancer-predisposing syndrome. Also called: Tumor predisposition; Hereditary Cancer Syndrome; Neoplastic Syndromes, Hereditary; Hereditary neoplastic syndrome. Identifiers: Orphanet 140162, MedGen C0027672, MeSH D009386, MONDO:0015356.

Allele frequency attached by ClinVar (database versions not stated): gnomAD exomes 0.00001 and 0.00002; ExAC 0.00003; gnomAD 0.00001; TOPMed 0.00004; ESP Exome Variant Server 0.00008; 1000 Genomes Project 30x 0.00016; 1000 Genomes Project 0.00020.
gnomAD v4.1: 20 of 1,614,120 alleles (0.0012%); highest among the groups gnomAD compares: Middle Eastern, 0.016%; no homozygotes.

Submissions (6):

Myriad Genetics, Inc.
Classification: Benign for DICER1-related tumor predisposition. Last evaluated: 2026-04-17. Review status: criteria provided, single submitter. Criteria: Myriad Autosomal Dominant, Autosomal Recessive and X-Linked Classification Criteria (2023). Collection method: clinical testing. Allele origin: unknown.
Comment: This variant is considered benign. This variant is a silent/synonymous amino acid change and it is not expected to impact splicing.

Labcorp Genetics (formerly Invitae), Labcorp
Classification: Likely benign for DICER1-related tumor predisposition. Last evaluated: 2026-01-04. Review status: criteria provided, single submitter. Criteria: Invitae Variant Classification Sherloc (09022015). Collection method: clinical testing. Allele origin: germline.

Quest Diagnostics Nichols Institute San Juan Capistrano
Classification: Uncertain significance. Last evaluated: 2024-12-13. Review status: criteria provided, single submitter. Criteria: Quest Diagnostics criteria. Collection method: clinical testing. Allele origin: unknown.
Comment: The DICER1 c.3474C>T (p.Ser1158=) synonymous variant has not been reported in individuals with DICER1-related conditions in the published literature. The frequency of this variant in the general population (Genome Aggregation Database) is uninformative in the assessment of its pathogenicity. Analysis of this variant using software algorithms for the prediction of the effect of nucleotide changes on DICER1 mRNA splicing yielded predictions that this variant may result in the gain of a cryptic splice site without affecting the natural splice sites. Based on the available information, we are unable to determine the clinical significance of this variant.

Blueprint Genetics
Classification: Likely benign. Last evaluated: 2024-08-01. Review status: criteria provided, single submitter. Criteria: ACMG Guidelines, 2015. Collection method: clinical testing. Allele origin: germline.

Ambry Genetics
Classification: Likely benign for Hereditary cancer-predisposing syndrome. Last evaluated: 2017-05-08. Review status: criteria provided, single submitter. Criteria: Ambry Variant Classification Scheme 2023. Collection method: clinical testing. Allele origin: germline.

PreventionGenetics, part of Exact Sciences
Classification: Likely benign for DICER1-related condition. Last evaluated: 2023-09-21. Review status: no assertion criteria provided. Collection method: clinical testing. Allele origin: germline. Not counted in ClinVar's aggregate classification.
Comment: This variant is classified as likely benign based on ACMG/AMP sequence variant interpretation guidelines (Richards et al. 2015 PMID: 25741868, with internal and published modifications).

NM_177438.3(DICER1):c.3474C>T (p.Ser1158=)

Gene: DICER1 (dicer 1, ribonuclease III; minus strand). Cytogenetic location: 14q32.13.
Variant type: single nucleotide variant.
Coding change: c.3474C>T on transcript NM_177438.3 (MANE Select); coding-DNA position 3474, C replaced by T.
Protein change: p.Ser1158=; no amino-acid change (serine 1158 retained).
Molecular consequence: synonymous variant.
Genome position (GRCh38, 1-based): chr14:95,103,922, G>A on the plus strand (C>T on the coding strand, the complement: DICER1 is on the minus strand). VCF-style: chr14-95103922-G-A. GRCh37 (hg19) VCF-style: chr14-95570259-G-A.
Other names: c.3474C>T, p.Ser1158= (NM_001195573.1, NM_001271282.3, NM_001291628.2 and 1 more transcripts).
Identifiers: ClinVar variation 479610 (VCV000479610.22), dbSNP rs368984998, ClinGen allele CA7331036.